The following is an entry in ClinVar:

ClinVar aggregate classification (germline): Uncertain significance (1 of 4 stars; one submission).

Allele frequency attached by ClinVar (database versions not stated): gnomAD exomes 0.00001; gnomAD 0.00001.
gnomAD v4.1: 11 of 1,608,594 alleles (0.00068%); highest among the groups gnomAD compares: South Asian, 0.0033%; no homozygotes.

Submission:

Labcorp Genetics (formerly Invitae), Labcorp
Classification: Uncertain significance. Last evaluated: 2022-07-19. Review status: criteria provided, single submitter. Criteria: Invitae Variant Classification Sherloc (09022015). Collection method: clinical testing. Allele origin: germline.
Comment: This sequence change replaces aspartic acid, which is acidic and polar, with asparagine, which is neutral and polar, at codon 562 of the RGS9 protein (p.Asp562Asn). This variant is present in population databases (rs369227084, gnomAD 0.007%). This variant has not been reported in the literature in individuals affected with RGS9-related conditions. ClinVar contains an entry for this variant (Variation ID: 1346493). Algorithms developed to predict the effect of missense changes on protein structure and function (SIFT, PolyPhen-2, Align-GVGD) all suggest that this variant is likely to be tolerated. In summary, the available evidence is currently insufficient to determine the role of this variant in disease. Therefore, it has been classified as a Variant of Uncertain Significance.

NM_003835.4(RGS9):c.1684G>A (p.Asp562Asn)

Gene: RGS9 (regulator of G protein signaling 9; plus strand). Cytogenetic location: 17q24.1.
Variant type: single nucleotide variant.
Coding change: c.1684G>A on transcript NM_003835.4 (MANE Select); coding-DNA position 1684, G replaced by A.
Protein change: p.Asp562Asn; replaces aspartic acid 562 with asparagine.
Molecular consequence: missense variant.
Genome position (GRCh38, 1-based): chr17:65,225,278, G>A. VCF-style: chr17-65225278-G-A. GRCh37 (hg19) VCF-style: chr17-63221396-G-A.
Other names: c.1675G>A, p.Asp559Asn (NM_001081955.3); short protein forms D559N, D562N.
Identifiers: ClinVar variation 1346493 (VCV001346493.3), dbSNP rs369227084, ClinGen allele CA8718120.